The following is an entry in ClinVar:

ClinVar aggregate classification (germline): Likely benign (0 of 4 stars; one submission).

Conditions:
PEAK1-related disorder. Also called: PEAK1-related condition.

Allele frequency attached by ClinVar (database versions not stated): gnomAD exomes 0.00003; ExAC 0.00017; gnomAD 0.00038; TOPMed 0.00047; ESP Exome Variant Server 0.00073; 1000 Genomes Project 0.00100; 1000 Genomes Project 30x 0.00109.
gnomAD v4.1: 105 of 1,614,110 alleles (0.0065%); highest among the groups gnomAD compares: African/African-American, 0.13%; no homozygotes.

Submission:

PreventionGenetics, part of Exact Sciences
Classification: Likely benign for PEAK1-related condition. Last evaluated: 2022-07-28. Review status: no assertion criteria provided. Collection method: clinical testing. Allele origin: germline.
Comment: This variant is classified as likely benign based on ACMG/AMP sequence variant interpretation guidelines (Richards et al. 2015 PMID: 25741868, with internal and published modifications).

NM_001385026.1(PEAK1):c.2311G>A (p.Val771Met)

Gene: PEAK1 (pseudopodium enriched atypical kinase 1; minus strand). Cytogenetic location: 15q24.3.
Variant type: single nucleotide variant.
Coding change: c.2311G>A on transcript NM_001385026.1 (MANE Select); coding-DNA position 2311, G replaced by A.
Protein change: p.Val771Met; replaces valine 771 with methionine.
Molecular consequence: missense variant.
Genome position (GRCh38, 1-based): chr15:77,179,616, C>T on the plus strand (G>A on the coding strand, the complement: PEAK1 is on the minus strand). VCF-style: chr15-77179616-C-T. GRCh37 (hg19) VCF-style: chr15-77471958-C-T.
Other names: c.2311G>A, p.Val771Met (NM_001385027.1, NM_001387085.1, NM_001387086.1 and 1 more transcripts); short protein forms V771M.
Identifiers: ClinVar variation 3054912 (VCV003054912.2), dbSNP rs199561461, ClinGen allele CA7677028.